The following is an entry in ClinVar:

ClinVar aggregate classification (germline): Benign. Review status: criteria provided, multiple submitters, no conflicts (2 of 4 stars). 2 submissions from 2 submitters: Benign (2). Last evaluated 2025-10-10.

Conditions:
ANKRD1-related dilated cardiomyopathy. Identifiers: MedGen CN119551.

Submissions (2):

Labcorp Genetics (formerly Invitae), Labcorp
Classification: Benign for ANKRD1-related dilated cardiomyopathy. Last evaluated: 2025-10-10. Review status: criteria provided, single submitter. Criteria: Invitae Variant Classification Sherloc (09022015). Collection method: clinical testing. Allele origin: germline.

Women's Health and Genetics/Laboratory Corporation of America, LabCorp
Classification: Benign. Last evaluated: 2017-07-31. Review status: criteria provided, single submitter. Criteria: LabCorp Variant Classification Summary - May 2015. Collection method: clinical testing. Allele origin: germline.
Comment: Variant summary: The ANKRD1 c.345+17delT variant involves the alteration of a non-conserved intronic nucleotide. Mutation taster predicts a benign outcome for this variant. 5/5 splice prediction tools predict no significant impact on normal splicing. However, these predictions have yet to be confirmed by functional studies. This variant was found in 1114/109740 control chromosomes from ExAC at a frequency of 0.0101513, which is approximately 295 times the estimated maximal expected allele frequency of a pathogenic ANKRD1 variant (0.0000344), suggesting this variant is likely a benign polymorphism. The variant of interest has not, to our knowledge, been reported in affected individuals via publications. Taken together, this variant is classified as benign.

NM_014391.3(ANKRD1):c.345+17del

Gene: ANKRD1 (ankyrin repeat domain 1; minus strand). Cytogenetic location: 10q23.31.
Variant type: Deletion.
Coding change: c.345+17del on transcript NM_014391.3 (MANE Select); 17 bases into the intron after coding-DNA position 345, one base deleted (T; older notation c.345+17delT).
Molecular consequence: intron variant.
Genome position (GRCh38, 1-based): chr10:90,919,114, A deleted on the plus strand (T on the coding strand, the reverse complement: ANKRD1 is on the minus strand); the first of 9 consecutive A bases (chr10:90,919,114-90,919,122); deleting any one gives the same sequence. VCF-style (leftmost placement, unchanged base first): chr10-90919113-CA-C. GRCh37 (hg19) VCF-style: chr10-92678870-CA-C.
Other names: c.345+17delT (NM_014391.2).
Identifiers: ClinVar variation 496428 (VCV000496428.8), dbSNP rs746808032, ClinGen allele CA5598795.